The following is an entry in ClinVar:

ClinVar aggregate classification (germline): Pathogenic (1 of 4 stars; one submission).

Conditions:
Neuronal ceroid lipofuscinosis. Also called: Neuronal Ceroid Lipofuscinoses. Identifiers: Orphanet 216, Orphanet 79263, MedGen C0027877, MONDO:0016295. Disease mechanism: loss of function.

Submission:

Labcorp Genetics (formerly Invitae), Labcorp
Classification: Pathogenic for Neuronal ceroid lipofuscinosis. Last evaluated: 2019-07-02. Review status: criteria provided, single submitter. Criteria: Invitae Variant Classification Sherloc (09022015). Collection method: clinical testing. Allele origin: germline.
Comment: This variant is a gross deletion of the genomic region encompassing exon 1 of the CLN6 gene, which includes the initiator codon. The 5' end of this event is unknown as it extends beyond the assayed region for this gene and therefore may encompass additional genes. The 3' boundary is likely confined to intron 1 of the CLN6 gene. This is expected to result in an absent or disrupted protein product. A similar deletion of exon 1 has been reported in an individual affected with a CLN6-related condition (PMID: 26115733). Loss-of-function variants in CLN6 are known to be pathogenic (PMID: 19135028). For these reasons, this variant has been classified as Pathogenic.

Literature cited by the submitters: PubMed 26115733.

NC_000015.10:g.(?_68229482)_(68229604_?)del

Gene: CLN6 (CLN6 transmembrane ER protein; minus strand). Cytogenetic location: 15q23.
Variant type: Deletion.
Identifiers: ClinVar variation 651807 (VCV000651807.2).